The following is an entry in ClinVar:

NM_015443.4(KANSL1):c.3094G>T (p.Val1032Phe)

Gene: KANSL1 (KAT8 regulatory NSL complex subunit 1). Cytogenetic location: 17q21.31.
Variant type: single nucleotide variant.
Coding change: c.3094G>T on transcript NM_015443.4 (MANE Select); coding-DNA position 3094, G replaced by T.
Protein change: p.Val1032Phe; replaces valine 1032 with phenylalanine.
Molecular consequence: missense variant.
Genome position (GRCh38, 1-based): chr17:46,031,700, C>A on the plus strand (G>T on the coding strand, the complement: KANSL1 is on the minus strand). VCF-style: chr17-46031700-C-A. GRCh37 (hg19) VCF-style: chr17-44109066-C-A.
Other names: c.3091G>T, p.Val1031Phe (NM_001193465.2); c.3094G>T, p.Val1032Phe (NM_001193466.2, NM_001379198.1); short protein forms V1032F, V1031F.
Identifiers: ClinVar variation 392437 (VCV000392437.1), dbSNP rs767917046, ClinGen allele CA16607296.
Genomic context (GRCh38, chr17:46,031,700, plus strand): 5'-CCTCACACTCCGCCTGGGGACTGTGCGCCAGGGGGAAGGTCCGCCGCTCCCAGGGCTGGA[C>A]AGACTGTAGGCAGACAAGTTGCTCTTTGAGGACCCAGTCCCAGCCAGCCTGCTTCCTGCT-3'
Protein context (NP_056258.1, residues 1022-1042): TPELGLDEQS[Val1032Phe]QPWERRTFPL

ClinVar aggregate classification (germline): Likely benign (1 of 4 stars; one submission).

Allele frequency attached by ClinVar (database versions not stated): TOPMed 0.00001.
gnomAD v4.1: 1 of 1,600,834 alleles (0.000062%); highest among the groups gnomAD compares: Non-Finnish European, 0.000085%; no homozygotes.

Submission:

GeneDx
Classification: Likely benign. Last evaluated: 2017-01-03. Review status: criteria provided, single submitter. Criteria: GeneDx Variant Classification (06012015). Collection method: clinical testing. Allele origin: germline. Affected: yes.
Comment: This variant is considered likely benign or benign based on one or more of the following criteria: it is a conservative change, it occurs at a poorly conserved position in the protein, it is predicted to be benign by multiple in silico algorithms, and/or has population frequency not consistent with disease.